The following is an entry in ClinVar:

NM_001042492.3(NF1):c.1492A>C (p.Lys498Gln)

Gene: NF1 (neurofibromin 1; plus strand). Cytogenetic location: 17q11.2.
Variant type: single nucleotide variant.
Coding change: c.1492A>C on transcript NM_001042492.3 (MANE Select); coding-DNA position 1492, A replaced by C.
Protein change: p.Lys498Gln; replaces lysine 498 with glutamine.
Molecular consequence: missense variant.
Genome position (GRCh38, 1-based): chr17:31,214,550, A>C. VCF-style: chr17-31214550-A-C. GRCh37 (hg19) VCF-style: chr17-29541568-A-C.
Other names: c.1492A>C, p.Lys498Gln (NM_000267.4, NM_001128147.3); short protein forms K498Q.
Identifiers: ClinVar variation 3238303 (VCV003238303.1), dbSNP rs2143960108.
Genomic context (GRCh38, chr17:31,214,550, plus strand): 5'-AAAGAAAAACCTACAGACCTGGAGACAAGAAGCTATAAGTATCTTCTCTTGTCCATGGTG[A>C]AACTAATTCATGCAGATCCAAAGCTCTTGCTTTGTGTAAGTATTTTTTTATGAAATGTCT-3'
Protein context (NP_001035957.1, residues 488-508): SYKYLLLSMV[Lys498Gln]LIHADPKLLL

ClinVar aggregate classification (germline): Uncertain significance (1 of 4 stars; one submission).

Conditions:
Hereditary cancer-predisposing syndrome. Also called: Neoplastic Syndromes, Hereditary; Tumor predisposition; Hereditary neoplastic syndrome; Hereditary Cancer Syndrome. Identifiers: Orphanet 140162, MedGen C0027672, MeSH D009386, MONDO:0015356.
Cardiovascular phenotype. Identifiers: MedGen CN230736.

Submission:

Ambry Genetics
Classification: Uncertain significance for Cardiovascular phenotype; Hereditary cancer-predisposing syndrome. Last evaluated: 2023-05-18. Review status: criteria provided, single submitter. Criteria: Ambry Variant Classification Scheme 2023. Collection method: clinical testing. Allele origin: germline.
Comment: The p.K498Q variant (also known as c.1492A>C), located in coding exon 13 of the NF1 gene, results from an A to C substitution at nucleotide position 1492. The lysine at codon 498 is replaced by glutamine, an amino acid with similar properties. This amino acid position is conserved. In addition, this alteration is predicted to be tolerated by in silico analysis. Since supporting evidence is limited at this time, the clinical significance of this alteration remains unclear.